The following is an entry in ClinVar:

NM_170682.4(P2RX2):c.1225C>T (p.Arg409Cys)

Gene: P2RX2 (purinergic receptor P2X 2; plus strand). Cytogenetic location: 12q24.33.
Variant type: single nucleotide variant.
Coding change: c.1225C>T on transcript NM_170682.4 (MANE Select); coding-DNA position 1225, C replaced by T.
Protein change: p.Arg409Cys; replaces arginine 409 with cysteine.
Molecular consequence: missense variant. On other transcripts: 3 prime UTR variant (1), intron variant (2).
Genome position (GRCh38, 1-based): chr12:132,621,781, C>T. VCF-style: chr12-132621781-C-T. GRCh37 (hg19) VCF-style: chr12-133198367-C-T.
Other names: c.*272C>T (NM_001282165.2); c.1009C>T, p.Arg337Cys (NM_012226.5); c.1153C>T, p.Arg385Cys (NM_016318.4); c.1303C>T, p.Arg435Cys (NM_170683.4); c.949C>T, p.Arg317Cys (NM_174872.3); c.1140+85C>T (NM_174873.3); c.1038+85C>T (NM_001282164.2); c.1303C>T (NM_170683.3); short protein forms R385C, R409C, R317C, R337C, R435C.
Identifiers: ClinVar variation 2589951 (VCV002589951.3), dbSNP rs140087499, ClinGen allele CA6891866.

ClinVar aggregate classification (germline): Likely benign. Review status: criteria provided, multiple submitters, no conflicts (2 of 4 stars). 2 submissions from 2 submitters: Likely benign (2). Last evaluated 2025-03-22.

Conditions:
P2RX2-related disorder. Also called: P2RX2-related condition.

Allele frequency attached by ClinVar (database versions not stated): gnomAD exomes 0.00006; ExAC 0.00009; TOPMed 0.00015; gnomAD 0.00017; 1000 Genomes Project 0.00020; ESP Exome Variant Server 0.00023; 1000 Genomes Project 30x 0.00031.

Submissions (2):

PreventionGenetics, part of Exact Sciences
Classification: Likely benign for P2RX2-related condition. Last evaluated: 2025-03-22. Review status: criteria provided, single submitter. Criteria: ACMG Guidelines, 2015. Collection method: clinical testing. Allele origin: germline.
Comment: This variant is classified as likely benign based on ACMG/AMP sequence variant interpretation guidelines (Richards et al. 2015 PMID: 25741868, with internal and published modifications).

Ambry Genetics
Classification: Likely benign. Last evaluated: 2023-09-14. Review status: criteria provided, single submitter. Criteria: Ambry Variant Classification Scheme 2023. Collection method: clinical testing. Allele origin: germline.